The following is an entry in ClinVar:

ClinVar aggregate classification (germline): Uncertain significance. Review status: criteria provided, multiple submitters, no conflicts (2 of 4 stars). 2 submissions from 2 submitters: Uncertain significance (2). Last evaluated 2024-07-24.

Submissions (2):

GeneDx
Classification: Uncertain significance. Last evaluated: 2024-07-24. Review status: criteria provided, single submitter. Criteria: GeneDx Variant Classification Process June 2021. Collection method: clinical testing. Allele origin: germline. Affected: yes.
Comment: Reported in a individual with hemophilia in published literature (PMID: 35770352); Not observed at significant frequency in large population cohorts (gnomAD); In silico analysis supports that this missense variant has a deleterious effect on protein structure/function; This variant is associated with the following publications: (PMID: 35770352)

Women's Health and Genetics/Laboratory Corporation of America, LabCorp
Classification: Uncertain significance. Last evaluated: 2024-07-23. Review status: criteria provided, single submitter. Criteria: LabCorp Variant Classification Summary - May 2015. Collection method: clinical testing. Allele origin: germline.
Comment: Variant summary: F8 c.6265T>G (p.Trp2089Gly) results in a non-conservative amino acid change located in the Coagulation factor 5/8 C-terminal domain (IPR000421) of the encoded protein sequence. Five of five in-silico tools predict a damaging effect of the variant on protein function. The variant was absent in 183238 control chromosomes. The available data on variant occurrences in the general population are insufficient to allow any conclusion about variant significance. c.6265T>G has been reported in the literature in at least one individual affected with non-severe Factor VIII Deficiency (Hemophilia A) (Johnsen_2022). These data do not allow any conclusion about variant significance. To our knowledge, no experimental evidence demonstrating an impact on protein function has been reported. The following publication has been ascertained in the context of this evaluation (PMID: 35770352). No submitters have cited clinical-significance assessments for this variant to ClinVar. Based on the evidence outlined above, the variant was classified as uncertain significance.

Literature cited by the submitters: PubMed 35770352 (cited by Women's Health and Genetics/Laboratory Corporation of America, LabCorp).

NM_000132.4(F8):c.6265T>G (p.Trp2089Gly)

Gene: F8 (coagulation factor VIII; minus strand). Cytogenetic location: Xq28.
Variant type: single nucleotide variant.
Coding change: c.6265T>G on transcript NM_000132.4 (MANE Select); coding-DNA position 6265, T replaced by G.
Protein change: p.Trp2089Gly; replaces tryptophan 2089 with glycine.
Molecular consequence: missense variant.
Genome position (GRCh38, 1-based): chrX:154,899,874, A>C on the plus strand (T>G on the coding strand, the complement: F8 is on the minus strand). VCF-style: chrX-154899874-A-C. GRCh37 (hg19) VCF-style: chrX-154128149-A-C.
Other names: short protein forms W2089G.
Identifiers: ClinVar variation 3339367 (VCV003339367.2).
Genomic context (GRCh38, chrX:154,899,874, plus strand): 5'-ATGCAATTGATTGAATGTGATACATTTCCCATCATTGATTACATTTTCTAACCTTGATCC[A>C]AGAAAAGGGCTCCTTGGTGCTCCAGGCATTGATTGATCCGGAATAATGAAGTCTGGCCAG-3'
Protein context (NP_000123.1, residues 2079-2099): NAWSTKEPFS[Trp2089Gly]IKVDLLAPMI